The following is an entry in ClinVar:

ClinVar aggregate classification (germline): Likely benign (1 of 4 stars; one submission).

Conditions:
Lynch syndrome 4 (LYNCH4). Also called: Colorectal cancer, hereditary nonpolyposis, type 4; Hereditary non-polyposis colorectal cancer, type 4. Identifiers: Orphanet 144, MedGen C1838333, MONDO:0013699, OMIM 614337. Disease mechanism: loss of function.

Submission:

Dipartimento Di Medicina Di Precisione, Università Degli Studi Della Campania Luigi Vanvitelli
Classification: Likely benign for Lynch syndrome 4. Last evaluated: 2025-09-26. Review status: criteria provided, single submitter. Criteria: ACMG Guidelines, 2015. Collection method: clinical testing. Allele origin: germline. Inheritance: Autosomal dominant inheritance. Affected: yes. Observed: 1 heterozygote.
Comment: The 3′ UTR variant PMS2 c.*146C>A (NM_000535.7) is located 146 nucleotides downstream of the stop codon. Computational analyses (UTR/polya signal and splicing prediction tools) and population frequency data suggest no functional or pathogenic effect.In the absence of evidence supporting a deleterious impact, this submission classifies the variant as Likely Benign (LB). The variant was reported in the 2025 study Prevalence of MUTYH Monoallelic Variants in Patients With Hereditary Cancer Using Multigene Panel Testing.

Literature cited by the submitters: DOI 10.1002/cam4.71231.

NM_000535.7(PMS2):c.*146C>A

Gene: PMS2 (PMS1 homolog 2, mismatch repair system component; minus strand). Cytogenetic location: 7p22.1.
Variant type: single nucleotide variant.
Coding change: c.*146C>A on transcript NM_000535.7 (MANE Select); 146 bases downstream of the stop codon, C replaced by A.
Molecular consequence: 3 prime UTR variant. On other transcripts: non-coding transcript variant (1).
Genome position (GRCh38, 1-based): chr7:5,973,253, G>T on the plus strand (C>A on the coding strand, the complement: PMS2 is on the minus strand). VCF-style: chr7-5973253-G-T. GRCh37 (hg19) VCF-style: chr7-6012884-G-T.
Other names: c.*146C>A (NM_001406889.1, NM_001406890.1, NM_001406891.1 and 56 more transcripts).
Identifiers: ClinVar variation 4280719 (VCV004280719.1).